The following is an entry in ClinVar:

NM_000153.4(GALC):c.459C>G (p.Phe153Leu)

Gene: GALC (galactosylceramidase; minus strand). Cytogenetic location: 14q31.3.
Variant type: single nucleotide variant.
Coding change: c.459C>G on transcript NM_000153.4 (MANE Select); coding-DNA position 459, C replaced by G.
Protein change: p.Phe153Leu; replaces phenylalanine 153 with leucine.
Molecular consequence: missense variant. On other transcripts: 5 prime UTR variant (2), non-coding transcript variant (1).
Genome position (GRCh38, 1-based): chr14:87,984,517, G>C on the plus strand (C>G on the coding strand, the complement: GALC is on the minus strand). VCF-style: chr14-87984517-G-C. GRCh37 (hg19) VCF-style: chr14-88450861-G-C.
Other names: c.291C>G, p.Phe97Leu (NM_001424071.1, NM_001424072.1, NM_001424073.1); c.111C>G, p.Phe37Leu (NM_001424074.1, NM_001424075.1); c.-209C>G (NM_001424076.1, NM_001424077.1); c.390C>G, p.Phe130Leu (NM_001201401.2); c.381C>G, p.Phe127Leu (NM_001201402.2); short protein forms F130L, F37L, F127L, F153L, F97L.
Identifiers: ClinVar variation 3636106 (VCV003636106.2).

ClinVar aggregate classification (germline): Uncertain significance (1 of 4 stars; one submission).

Conditions:
Galactosylceramide beta-galactosidase deficiency. Also called: Leukodystrophy, Globoid Cell; Krabbe Disease; GALACTOCEREBROSIDASE DEFICIENCY; GALC DEFICIENCY; GLOBOID CELL LEUKOENCEPHALOPATHY. Identifiers: Orphanet 487, MedGen C0023521, MONDO:0009499, OMIM 245200.

gnomAD v4.1: 1 of 1,614,128 alleles (0.000062%); highest among the groups gnomAD compares: Non-Finnish European, 0.000085%; no homozygotes.

Submission:

Labcorp Genetics (formerly Invitae), Labcorp
Classification: Uncertain significance for Galactosylceramide beta-galactosidase deficiency. Last evaluated: 2024-11-15. Review status: criteria provided, single submitter. Criteria: Invitae Variant Classification Sherloc (09022015). Collection method: clinical testing. Allele origin: germline.
Comment: This sequence change replaces phenylalanine, which is neutral and non-polar, with leucine, which is neutral and non-polar, at codon 153 of the GALC protein (p.Phe153Leu). This variant is present in population databases (no rsID available, gnomAD 0.0009%). This variant has not been reported in the literature in individuals affected with GALC-related conditions. Invitae Evidence Modeling of protein sequence and biophysical properties (such as structural, functional, and spatial information, amino acid conservation, physicochemical variation, residue mobility, and thermodynamic stability) indicates that this missense variant is expected to disrupt GALC protein function with a positive predictive value of 95%. In summary, the available evidence is currently insufficient to determine the role of this variant in disease. Therefore, it has been classified as a Variant of Uncertain Significance.